The following is an entry in ClinVar:

NM_005235.3(ERBB4):c.3821T>G (p.Ile1274Ser)

Gene: ERBB4 (erb-b2 receptor tyrosine kinase 4; minus strand). Cytogenetic location: 2q34.
Variant type: single nucleotide variant.
Coding change: c.3821T>G on transcript NM_005235.3 (MANE Select); coding-DNA position 3821, T replaced by G.
Protein change: p.Ile1274Ser; replaces isoleucine 1274 with serine.
Molecular consequence: missense variant.
Genome position (GRCh38, 1-based): chr2:211,383,721, A>C on the plus strand (T>G on the coding strand, the complement: ERBB4 is on the minus strand). VCF-style: chr2-211383721-A-C. GRCh37 (hg19) VCF-style: chr2-212248446-A-C.
Other names: c.3773T>G, p.Ile1258Ser (NM_001042599.2); short protein forms I1258S, I1274S.
Identifiers: ClinVar variation 2887977 (VCV002887977.3), dbSNP rs2125308908, ClinGen allele CA350779613.

ClinVar aggregate classification (germline): Uncertain significance (1 of 4 stars; one submission).

gnomAD v4.1: 9 of 1,614,094 alleles (0.00056%); highest among the groups gnomAD compares: Non-Finnish European, 0.00076%; no homozygotes.

Submission:

Labcorp Genetics (formerly Invitae), Labcorp
Classification: Uncertain significance. Last evaluated: 2023-09-11. Review status: criteria provided, single submitter. Criteria: Invitae Variant Classification Sherloc (09022015). Collection method: clinical testing. Allele origin: germline.
Comment: This variant has not been reported in the literature in individuals affected with ERBB4-related conditions. This variant is not present in population databases (gnomAD no frequency). This sequence change replaces isoleucine, which is neutral and non-polar, with serine, which is neutral and polar, at codon 1274 of the ERBB4 protein (p.Ile1274Ser). An algorithm developed to predict the effect of missense changes on protein structure and function (PolyPhen-2) suggests that this variant is likely to be tolerated. In summary, the available evidence is currently insufficient to determine the role of this variant in disease. Therefore, it has been classified as a Variant of Uncertain Significance.